The following is an entry in ClinVar:

NM_007294.4(BRCA1):c.3514G>T (p.Glu1172Ter)

Genes: BRCA1 (BRCA1 DNA repair associated; minus strand), LOC126862571 (BRD4-independent group 4 enhancer GRCh37_chr17:41243136-41244335; plus strand). Cytogenetic location: 17q21.31.
Variant type: single nucleotide variant.
Coding change: c.3514G>T on transcript NM_007294.4 (MANE Select); coding-DNA position 3514, G replaced by T.
Protein change: p.Glu1172Ter; replaces glutamic acid 1172 with a stop codon.
Molecular consequence: nonsense. On other transcripts: intron variant (135).
Genome position (GRCh38, 1-based): chr17:43,092,017, C>A on the plus strand (G>T on the coding strand, the complement: BRCA1 is on the minus strand). VCF-style: chr17-43092017-C-A. GRCh37 (hg19) VCF-style: chr17-41244034-C-A.
Other names: c.3373G>T, p.Glu1125Ter (NM_001407752.1, NM_001407850.1, NM_001407851.1 and 29 more transcripts); c.3370G>T, p.Glu1124Ter (NM_001407838.1, NM_001407839.1, NM_001407841.1 and 20 more transcripts); c.3301G>T, p.Glu1101Ter (NM_001407853.1, NM_001407894.1, NM_001407895.1 and 9 more transcripts); c.3514G>T, p.Glu1172Ter (NM_001407854.1, NM_001407858.1, NM_001407859.1 and 30 more transcripts); c.3511G>T, p.Glu1171Ter (NM_001407860.1, NM_001407861.1, NM_001407610.1 and 22 more transcripts); c.3313G>T, p.Glu1105Ter (NM_001407862.1); c.3391G>T, p.Glu1131Ter (NM_001407863.1, NM_001407919.1, NM_001407937.1 and 19 more transcripts); c.3310G>T, p.Glu1104Ter (NM_001407874.1, NM_001407875.1); and 41 more; short protein forms E1172*, E1125*, E1044*, E1045*, E1061*, E1083*, E1130*, E1145*.
Identifiers: ClinVar variation 54906 (VCV000054906.20), dbSNP rs397509079, ClinGen allele CA002257.

ClinVar aggregate classification (germline): Pathogenic. Review status: reviewed by expert panel (3 of 4 stars). 6 submissions from 6 submitters: Pathogenic (1). 5 of the submissions do not count toward it. Last evaluated 2016-09-08.

Conditions:
Hereditary cancer-predisposing syndrome. Also called: Hereditary Cancer Syndrome; Hereditary neoplastic syndrome; Neoplastic Syndromes, Hereditary; Tumor predisposition. Identifiers: Orphanet 140162, MedGen C0027672, MeSH D009386, MONDO:0015356.
Breast-ovarian cancer, familial, susceptibility to, 1 (BROVCA1). Also called: BRCA1 Hereditary Breast and Ovarian Cancer; OVARIAN CANCER, SUSCEPTIBILITY TO. Identifiers: Orphanet 145, MedGen C2676676, MONDO:0011450, OMIM 604370. Disease mechanism: loss of function.
Hereditary breast ovarian cancer syndrome. Also called: BRCA1- and BRCA2-Associated Hereditary Breast and Ovarian Cancer; Hereditary breast and ovarian cancer syndrome; Hereditary breast and ovarian cancer syndrome (HBOC); Breast and ovarian cancer; Hereditary breast and/or ovarian cancer syndrome; Hereditary breast and ovarian cancer. Identifiers: Orphanet 145, MedGen C0677776, MeSH D061325, MONDO:0003582. Disease mechanism: loss of function.

Allele frequency attached by ClinVar (database versions not stated): gnomAD exomes below 0.00001.
gnomAD v4.1: 1 of 1,614,040 alleles (0.000062%); no homozygotes.

Submissions (6):

Evidence-based Network for the Interpretation of Germline Mutant Alleles (ENIGMA)
Classification: Pathogenic for Breast-ovarian cancer, familial, susceptibility to, 1. Last evaluated: 2016-09-08. Review status: reviewed by expert panel. Criteria: ENIGMA BRCA1/2 Classification Criteria (2015). Collection method: curation. Allele origin: germline.
Comment: Variant allele predicted to encode a truncated non-functional protein.

Ambry Genetics
Classification: Pathogenic for Hereditary cancer-predisposing syndrome. Last evaluated: 2024-11-18. Review status: criteria provided, single submitter. Criteria: Ambry Variant Classification Scheme 2023. Collection method: clinical testing. Allele origin: germline. Not counted in ClinVar's aggregate classification.
Comment: The p.E1172* pathogenic mutation (also known as c.3514G>T), located in coding exon 9 of the BRCA1 gene, results from a G to T substitution at nucleotide position 3514. This changes the amino acid from a glutamic acid to a stop codon within coding exon 9. This alteration was identified in individuals diagnosed with breast and/or ovarian cancer (Curci A et al. Int J Oncol, 2002 May;20:963-70; Santonocito C et al. Cancers (Basel), 2020 May;12:). Additionally, this alteration was identified in a large, worldwide study of BRCA1/2 mutation positive families (Rebbeck TR et al. Hum Mutat, 2018 05;39:593-620). In addition to the clinical data presented in the literature, this alteration is expected to result in loss of function by premature protein truncation or nonsense-mediated mRNA decay. As such, this alteration is interpreted as a disease-causing mutation.

Labcorp Genetics (formerly Invitae), Labcorp
Classification: Pathogenic for Hereditary breast ovarian cancer syndrome. Last evaluated: 2021-08-22. Review status: criteria provided, single submitter. Criteria: Invitae Variant Classification Sherloc (09022015). Collection method: clinical testing. Allele origin: germline. Not counted in ClinVar's aggregate classification.
Comment: This premature translational stop signal has been observed in individual(s) with personal and/or family history of breast and/or ovarian cancer (PMID: 11956590, 18680205, 26306726, 31209999). This variant is not present in population databases (ExAC no frequency). This sequence change creates a premature translational stop signal (p.Glu1172*) in the BRCA1 gene. It is expected to result in an absent or disrupted protein product. Loss-of-function variants in BRCA1 are known to be pathogenic (PMID: 20104584). ClinVar contains an entry for this variant (Variation ID: 54906). For these reasons, this variant has been classified as Pathogenic.

Color Diagnostics, LLC DBA Color Health
Classification: Pathogenic for Hereditary cancer-predisposing syndrome. Last evaluated: 2020-01-15. Review status: criteria provided, single submitter. Criteria: ACMG Guidelines, 2015. Collection method: clinical testing. Allele origin: germline. Not counted in ClinVar's aggregate classification.
Comment: This variant changes 1 nucleotide in exon 10 of the BRCA1 gene, creating a premature translation stop signal. This variant is expected to result in an absent or non-functional protein product. This variant has been identified in 1/251296 chromosomes in the general population by the Genome Aggregation Database (gnomAD). Loss of BRCA1 function is a known mechanism of disease. Based on the available evidence, this variant is classified as Pathogenic.

Consortium of Investigators of Modifiers of BRCA1/2 (CIMBA), c/o University of Cambridge
Classification: Pathogenic for Breast-ovarian cancer, familial, susceptibility to, 1. Last evaluated: 2015-10-02. Review status: criteria provided, single submitter. Criteria: CIMBA Mutation Classification guidelines May 2016. Collection method: clinical testing. Allele origin: germline. Not counted in ClinVar's aggregate classification.

GeneDx
Classification: Pathogenic. Last evaluated: 2015-05-21. Review status: criteria provided, single submitter. Criteria: GeneDx Variant Classification (06012015). Collection method: clinical testing. Allele origin: germline. Affected: yes. Not counted in ClinVar's aggregate classification.
Comment: This pathogenic variant is denoted BRCA1 c.3514G>T at the cDNA level and p.Glu1172Ter (E1172X) at the protein level. The substitution creates a nonsense variant, which changes a Glutamic Acid to a premature stop codon (GAA>TAA), and is predicted to cause loss of normal protein function through either protein truncation or nonsense-mediated mRNA decay. This variant, also known as BRCA1 3633G>T using alternate nomenclature, has been reported in association with Hereditary Breast and Ovarian Cancer and is considered pathogenic (Caligo 2009, Vietri 2012, Bolognesi 2014, Ricci 2014).

Literature cited by the submitters: PubMed 11956590 (cited by Ambry Genetics and Labcorp Genetics (formerly Invitae), Labcorp); PubMed 29446198 (cited by Ambry Genetics); PubMed 32438681 (cited by Ambry Genetics); PubMed 18680205 (cited by Labcorp Genetics (formerly Invitae), Labcorp); PubMed 26306726 (cited by Labcorp Genetics (formerly Invitae), Labcorp); PubMed 31209999 (cited by Labcorp Genetics (formerly Invitae), Labcorp); PubMed 20104584 (cited by Labcorp Genetics (formerly Invitae), Labcorp).